The following is an entry in ClinVar:

ClinVar aggregate classification (germline): Pathogenic. Review status: reviewed by expert panel (3 of 4 stars). 10 submissions from 10 submitters: Pathogenic (1). 9 of the submissions do not count toward it. Last evaluated 2023-05-11.

Conditions:
Creatine transporter deficiency (CCDS1). Also called: Mental retardation , X-linked with seizures, short stature and midface hypoplasia; Mental retardation , X-linked, with creatine transport deficiency; X-linked creatine transporter deficiency; X-linked creatine deficiency syndrome; SLC6A8-Related Creatine Transporter Deficiency; CREATINE TRANSPORTER DEFECT. Identifiers: Orphanet 52503, MedGen C1845862, MONDO:0010305, OMIM 300352.

Submissions (10):

ClinGen Cerebral Creatine Deficiency Syndromes Variant Curation Expert Panel, ClinGen
Classification: Pathogenic for Creatine transporter deficiency. Last evaluated: 2023-05-11. Review status: reviewed by expert panel. Criteria: ClinGen_CCDS_ACMG_Specifications_SLC6A8_v1.1. Collection method: curation. Allele origin: germline. Inheritance: X-linked inheritance.
Comment: The NM_005629.4:c.1000_1002delAAC variant in SLC6A8 is predicted to cause a change in the length of the protein (p.Asn336del) due to an in-frame deletion of one amino acid in a non-repeat region (PM4). This variant is one of the most common SLC6A8 variants associated with creatine transporter deficiency (PMID: 23644449). This variant has been identified in at least 12 unrelated male patients with clinical features consistent with creatine transporter deficiency, 6 of whom have documentation of elevated urine creatine levels on at least one occassion (PMID: 16738945, 17603797, 22644605, 22713831, 23234264, 23644449, 23660394, 24123876, 27408820) (PS4). One of these patients had elevated urine creatine with normal guanidinoacetate, and brain MRS showing absence of the creatine peak (PMID: 27408820) (PP4_Strong). The variant has been shown to segregate in at least two families (PMID: 24123876, 33665121), including one with two affected brothers shown to be hemizygous for the variant and an unaffected sister neagtive for the variant (PMID: 24123876) (PP1_Moderate). In another family, the variant was reported to be de novo (without confirmation of maternity) in one patient (PMID: 17603797) (PM6). This variant is not in gnomAD v2.1.1 (PM2_Supporting). Functional studies in which the variant was expressed in Xenopus oocytes (with 2uM/20uM creatine) and SLC6A8-deficient fibroblasts (with 500uM creatine) showed that the variant results in defective creatine transport (PMID: 17465020, 22644605) (PS3_Supporting). The in silico predictors MutPredIndel and Mutation Taster suggest that the variant is damaging (PP3). In summary, this variant meets the criteria to be classified as pathogenic for creatine transporter deficiency. SLC6A8-specific criteria met, as specified by the ClinGen Cerebral Creatine Deficiency Syndrome Variant Curation Expert Panel (CCDS VCEP)(Specifications Verion 1.1.0): PS4, PP4_Strong, PM4, PM6, PP1_Moderate, PP3, PS3_Supporting, PM2_Supporting. This classification was approved by the ClinGen CCDS VCEP on May 11, 2023.

Labcorp Genetics (formerly Invitae), Labcorp
Classification: Pathogenic for Creatine transporter deficiency. Last evaluated: 2026-01-26. Review status: criteria provided, single submitter. Criteria: Invitae Variant Classification Sherloc (09022015). Collection method: clinical testing. Allele origin: germline. Not counted in ClinVar's aggregate classification.
Comment: This variant, c.1006_1008del, results in the deletion of 1 amino acid(s) of the SLC6A8 protein (p.Asn336del), but otherwise preserves the integrity of the reading frame. This variant is not present in population databases (gnomAD no frequency). This variant has been observed in individual(s) with creatine transporter deficiency (PMID: 17603797, 21140503, 22644605, 23234264, 23644449, 23660394, 27408820). In at least one individual the variant was observed to be de novo. ClinVar contains an entry for this variant (Variation ID: 265402). Algorithms developed to predict the effect of variants on gene product structure and function are not available or were not evaluated for this variant. Experimental studies have shown that this variant affects SLC6A8 function (PMID: 22644605). For these reasons, this variant has been classified as Pathogenic.

Women's Health and Genetics/Laboratory Corporation of America, LabCorp
Classification: Pathogenic for Creatine transporter deficiency. Last evaluated: 2025-12-02. Review status: criteria provided, single submitter. Criteria: LabCorp Variant Classification Summary - May 2015. Collection method: clinical testing. Allele origin: germline. Not counted in ClinVar's aggregate classification.
Comment: Variant summary: SLC6A8 c.1006_1008delAAC (p.Asn336del) results in an in-frame deletion that is predicted to remove one amino acid from the encoded protein. The variant was absent in 182963 control chromosomes (gnomAD). c.1006_1008delAAC has been observed in multiple individuals affected with Creatine Deficiency, X-Linked, including at least one de novo occurrence (Alcaide_2011, de Ligt J_2012, Valayannopoulos_2013, van de Kamp_2013). These data indicate that the variant is very likely to be associated with disease. At least two publications report experimental evidence evaluating an impact on protein function and this variant affected the SLC6A8 protein function (Alcaide_2011, Valayannopoulos_2013). The following publications have been ascertained in the context of this evaluation (PMID: 21140503, 22644605, 23033978, 23644449). ClinVar contains an entry for this variant (Variation ID: 265402). Based on the evidence outlined above, the variant was classified as pathogenic.

3billion
Classification: Pathogenic for Creatine transporter deficiency. Last evaluated: 2025-11-14. Review status: criteria provided, single submitter. Criteria: ACMG Guidelines, 2015. Collection method: clinical testing. Allele origin: germline. Affected: yes. Not counted in ClinVar's aggregate classification.
Comment: The variant is observed at an extremely low frequency in the gnomAD v4.1.0 dataset (total allele frequency: <0.001%). Predicted Consequence/Location: Inframe deletion located in a nonrepeat region: predicted to change the length of the protein and disrupt normal protein function. The variant has been reported multiple times as an established pathogenic variant (ClinVar ID: VCV000265402 /PMID: 16738945). Therefore, this variant is classified as Pathogenic according to the recommendation of ACMG/AMP guideline.

CeGaT Center for Human Genetics Tuebingen
Classification: Pathogenic. Last evaluated: 2023-03-01. Review status: criteria provided, single submitter. Criteria: CeGaT Center For Human Genetics Tuebingen Variant Classification Criteria Version 2. Collection method: clinical testing. Allele origin: germline. Affected: yes. Observed: 3 variant alleles. Not counted in ClinVar's aggregate classification.
Comment: SLC6A8: PS2, PM2, PM4, PS4:Moderate, PS3:Supporting

GeneDx
Classification: Pathogenic. Last evaluated: 2022-09-06. Review status: criteria provided, single submitter. Criteria: GeneDx Variant Classification Process June 2021. Collection method: clinical testing. Allele origin: germline. Affected: yes. Not counted in ClinVar's aggregate classification.
Comment: Published functional studies demonstrate a damaging effect by altering the electrogenic and creatine transport activities of the SLC6A8 protein (Valayannopoulos et al., 2013; Rosenberg et al., 2007); Not observed in large population cohorts (gnomAD); In-frame deletion of one amino acid in a non-repeat region; In silico analysis supports a deleterious effect on protein structure/function; This variant is associated with the following publications: (PMID: 23644449, 21140503, 17465020, 22644605, 23033978, 16738945, 24123876, 27408820, 17603797, 33665121)

Juno Genomics, Hangzhou Juno Genomics, Inc
Classification: Pathogenic for Creatine transporter deficiency. Review status: criteria provided, single submitter. Criteria: ACMG Guidelines, 2015. Collection method: clinical testing. Allele origin: germline. Not counted in ClinVar's aggregate classification.
Comment: Absent from controls (or at extremely low frequency if recessive) in Genome Aggregation Database.;Protein length changes due to in-frame deletions/insertions in a non-repeat region or stop-loss variants.;The prevalence of the variant in affected individuals is significantly increased compared to the prevalence in controls.;Co-segregation with disease in multiple affected family members.;Well-established in vitro or in vivo functional studies supportive of a damaging effect on the gene or gene product.;Assumed de novo, but without confirmation of paternity and maternity.;Patient's phenotype or family history is highly specific for a disease with a single genetic etiology.

OMIM
Classification: Pathogenic for CEREBRAL CREATINE DEFICIENCY SYNDROME 1. Last evaluated: 2007-08-01. Review status: no assertion criteria provided. Collection method: literature only. Allele origin: germline. Not counted in ClinVar's aggregate classification.

Diagnostic Laboratory, Department of Genetics, University Medical Center Groningen
Classification: Pathogenic. Review status: no assertion criteria provided. Collection method: clinical testing. Allele origin: germline. Affected: yes. Study: VKGL Data-share Consensus. Not counted in ClinVar's aggregate classification.

Genome Diagnostics Laboratory, Amsterdam University Medical Center
Classification: Pathogenic. Review status: no assertion criteria provided. Collection method: clinical testing. Allele origin: germline. Affected: yes. Study: VKGL Data-share Consensus. Not counted in ClinVar's aggregate classification.

Literature cited by the submitters: PubMed 17603797 (cited by Labcorp Genetics (formerly Invitae), Labcorp and OMIM); PubMed 21140503 (cited by Labcorp Genetics (formerly Invitae), Labcorp and Women's Health and Genetics/Laboratory Corporation of America, LabCorp); PubMed 22644605 (cited by Labcorp Genetics (formerly Invitae), Labcorp and Women's Health and Genetics/Laboratory Corporation of America, LabCorp); PubMed 23234264 (cited by Labcorp Genetics (formerly Invitae), Labcorp); PubMed 23644449 (cited by Labcorp Genetics (formerly Invitae), Labcorp and Women's Health and Genetics/Laboratory Corporation of America, LabCorp); PubMed 23660394 (cited by Labcorp Genetics (formerly Invitae), Labcorp); PubMed 27408820 (cited by Labcorp Genetics (formerly Invitae), Labcorp); PubMed 23033978 (cited by Women's Health and Genetics/Laboratory Corporation of America, LabCorp); PubMed 16738945 (cited by 3billion and OMIM).

NM_005629.4(SLC6A8):c.1000AAC[2] (p.Asn336del)

Gene: SLC6A8 (solute carrier family 6 member 8; plus strand). Cytogenetic location: Xq28.
Variant type: Microsatellite.
Coding change: c.1000AAC[2] on transcript NM_005629.4 (MANE Select); two copies in a row of the 3-base unit AAC starting at c.1000; the reference has three copies in a row; one copy, 3 bases deleted; also written c.1006_1008del.
Protein change: p.Asn336del; deletes asparagine 336.
Molecular consequence: inframe deletion.
Genome position (GRCh38, 1-based): chrX:153,693,356-153,693,358, AAC deleted; deleting any 3 consecutive bases within chrX:153,693,349-153,693,358 gives the same sequence; the position shown is the placement nearest the transcript's 3' end. VCF-style (leftmost placement, unchanged base first): chrX-153693348-TCAA-T. GRCh37 (hg19) VCF-style: chrX-152958803-TCAA-T.
Other names: NM_005629.4(SLC6A8):c.1000_1002AAC[2]; p.Asn336del; c.1000AAC[2], p.Asn336del (NM_001142805.2); c.655AAC[2], p.Asn221del (NM_001142806.1); c.1006_1008delAAC (NM_005629.4); c.1006_1008del (NM_005629.4, NM_005629.3); short protein forms N336del, N221del.
Identifiers: ClinVar variation 265402 (VCV000265402.63), dbSNP rs782433037, ClinGen allele CA10549372.